The following is an entry in ClinVar:

ClinVar aggregate classification (germline): Uncertain significance. Review status: criteria provided, multiple submitters, no conflicts (2 of 4 stars). 2 submissions from 2 submitters: Uncertain significance (2). Last evaluated 2023-01-14.

Conditions:
FG syndrome (FGS). Identifiers: MedGen C0220769, MONDO:0002010.

Allele frequency attached by ClinVar (database versions not stated): gnomAD exomes below 0.00001; TOPMed below 0.00001; gnomAD 0.00001.
gnomAD v4.1: 6 of 1,209,890 alleles (0.0005%); highest among the groups gnomAD compares: Non-Finnish European, 0.00067%; no homozygotes.

Submissions (2):

Labcorp Genetics (formerly Invitae), Labcorp
Classification: Uncertain significance for FG syndrome. Last evaluated: 2023-01-14. Review status: criteria provided, single submitter. Criteria: Invitae Variant Classification Sherloc (09022015). Collection method: clinical testing. Allele origin: germline.
Comment: In summary, the available evidence is currently insufficient to determine the role of this variant in disease. Therefore, it has been classified as a Variant of Uncertain Significance. Advanced modeling of protein sequence and biophysical properties (such as structural, functional, and spatial information, amino acid conservation, physicochemical variation, residue mobility, and thermodynamic stability) performed at Invitae indicates that this missense variant is not expected to disrupt MED12 protein function. ClinVar contains an entry for this variant (Variation ID: 870714). This variant has not been reported in the literature in individuals affected with MED12-related conditions. This variant is not present in population databases (gnomAD no frequency). This sequence change replaces glutamine, which is neutral and polar, with arginine, which is basic and polar, at codon 433 of the MED12 protein (p.Gln433Arg).

CeGaT Center for Human Genetics Tuebingen
Classification: Uncertain significance. Last evaluated: 2020-02-01. Review status: criteria provided, single submitter. Criteria: CeGaT Center For Human Genetics Tuebingen Variant Classification Criteria Version 2. Collection method: clinical testing. Allele origin: germline. Affected: yes. Observed: 2 variant alleles.

NM_005120.3(MED12):c.1298A>G (p.Gln433Arg)

Genes: MED12 (mediator complex subunit 12; plus strand), LOC126863275 (BRD4-independent group 4 enhancer GRCh37_chrX:70342400-70343599; plus strand). Cytogenetic location: Xq13.1.
Variant type: single nucleotide variant.
Coding change: c.1298A>G on transcript NM_005120.3 (MANE Select); coding-DNA position 1298, A replaced by G.
Protein change: p.Gln433Arg; replaces glutamine 433 with arginine.
Molecular consequence: missense variant.
Genome position (GRCh38, 1-based): chrX:71,122,557, A>G. VCF-style: chrX-71122557-A-G. GRCh37 (hg19) VCF-style: chrX-70342407-A-G.
Other names: short protein forms Q433R.
Identifiers: ClinVar variation 870714 (VCV000870714.44), dbSNP rs1170167377, ClinGen allele CA413506016.